The following continues an entry in ClinVar:

NM_000059.4(BRCA2):c.516G>A (p.Lys172=)

Gene: BRCA2. ClinVar aggregate classification (germline): Likely pathogenic. Likely pathogenic (1).

Submissions 10 to 14 of 14:

National Health Laboratory Service, Universitas Academic Hospital and University of the Free State
Classification: Pathogenic for Hereditary breast ovarian cancer syndrome. Last evaluated: 2021-11-16. Review status: criteria provided, single submitter. Criteria: ACMG Guidelines, 2015. Collection method: clinical testing. Allele origin: germline. Affected: yes. Observed: 1 variant allele. Not counted in ClinVar's aggregate classification.

Laboratory for Molecular Medicine, Mass General Brigham Personalized Medicine
Classification: Likely pathogenic for Hereditary breast ovarian cancer syndrome. Last evaluated: 2020-06-19. Review status: criteria provided, single submitter. Criteria: ACMG Guidelines, 2015. Collection method: clinical testing. Allele origin: germline. Not counted in ClinVar's aggregate classification.
Comment: The p.Lys172Lys variant in BRCA2 has been identified in one individual with breast cancer (Hansen 2009 PubMed: 19267246) and was absent from large population studies. Exon trapping and RT-PCR analysis showed that this variant results in skipping of exon 6 and of exon 5 and 6. The skipping results in a frameshift and a premature termination at codon 154 (skipping of exon 5 and 6) or codon 168 (skipping of exon 6), which most likely will result in nonsense-mediated mRNA decay (NMD) (Hansen 2009 PubMed: 19267246). In summary, although additional studies are required to fully establish its clinical significance, this variant is likely pathogenic. ACMG/AMP Criteria applied: PM2; PS3.

Consortium of Investigators of Modifiers of BRCA1/2 (CIMBA), c/o University of Cambridge
Classification: Pathogenic for Breast-ovarian cancer, familial, susceptibility to, 2. Last evaluated: 2015-10-02. Review status: criteria provided, single submitter. Criteria: CIMBA Mutation Classification guidelines May 2016. Collection method: clinical testing. Allele origin: germline. Not counted in ClinVar's aggregate classification.

Cancer Genomics Lab, PINUM Cancer Hospital
Classification: Pathogenic for Hereditary breast ovarian cancer syndrome. Last evaluated: 2022-05-23. Review status: no assertion criteria provided. Collection method: clinical testing. Allele origin: germline. Affected: yes. Not counted in ClinVar's aggregate classification.

Breast Cancer Information Core (BIC) (BRCA2)
Classification: Uncertain significance for Breast-ovarian cancer, familial 2. Last evaluated: 2001-10-29. Review status: no assertion criteria provided. Collection method: clinical testing. Allele origin: germline. Affected: yes. Observed: 1 variant allele. Not counted in ClinVar's aggregate classification.

Literature cited by the submitters: PubMed 19267246 (cited by 6 submitters); PubMed 38814507 (cited by Quest Diagnostics Nichols Institute San Juan Capistrano); PubMed 29446198 (cited by Ambry Genetics); PubMed 31263571 (cited by 5 submitters); PubMed 17576681 (cited by Labcorp Genetics (formerly Invitae), Labcorp); PubMed 9536098 (cited by Labcorp Genetics (formerly Invitae), Labcorp); PubMed 35464868 (cited by All of Us Research Program, National Institutes of Health); DOI 10.3389/fgene.2022.834265 (cited by National Health Laboratory Service, Universitas Academic Hospital and University of the Free State); PubMed 10923033 (cited by Laboratory for Molecular Medicine, Mass General Brigham Personalized Medicine).